The following is an entry in ClinVar:

ClinVar aggregate classification (germline): Pathogenic/Likely pathogenic. Review status: criteria provided, multiple submitters, no conflicts (2 of 4 stars). 3 submissions from 3 submitters: Pathogenic (1); Likely pathogenic (1). 1 of the submissions does not count toward it. Last evaluated 2024-04-04.

Conditions:
Cornelia de Lange syndrome 1 (CDLS1). Also called: Brachmann de Lange syndrome; NIPBL-Related Cornelia de Lange Syndrome; TYPUS DEGENERATIVUS AMSTELODAMENSIS. Identifiers: Orphanet 199, MedGen C4551851, MONDO:0007387, OMIM 122470.

Submissions (3):

Genomic Medicine Center of Excellence, King Faisal Specialist Hospital and Research Centre
Classification: Likely pathogenic for Cornelia de Lange syndrome 1. Last evaluated: 2024-04-04. Review status: criteria provided, single submitter. Criteria: ACMG Guidelines, 2015. Collection method: clinical testing. Allele origin: germline.

GeneDx
Classification: Pathogenic. Last evaluated: 2023-06-08. Review status: criteria provided, single submitter. Criteria: GeneDx Variant Classification Process June 2021. Collection method: clinical testing. Allele origin: germline. Affected: yes.
Comment: In silico analysis supports that this missense variant has a deleterious effect on protein structure/function; Not observed at significant frequency in large population cohorts (gnomAD); This variant is associated with the following publications: (PMID: 30158690, 31038196, 25574841)

Lupski Lab, Baylor-Hopkins CMG, Baylor College of Medicine
Classification: Pathogenic for Cornelia de Lange Syndrome 1 (CdLS1). Last evaluated: 2014-12-02. Review status: no assertion criteria provided. Collection method: research. Allele origin: de novo. Affected: yes. Observed: 1 heterozygote. Not counted in ClinVar's aggregate classification.

Literature cited by the submitters: PubMed 25574841 (cited by Lupski Lab, Baylor-Hopkins CMG, Baylor College of Medicine).

NM_133433.4(NIPBL):c.7637T>C (p.Leu2546Pro)

Gene: NIPBL (NIPBL cohesin loading factor; plus strand). Cytogenetic location: 5p13.2.
Variant type: single nucleotide variant.
Coding change: c.7637T>C on transcript NM_133433.4 (MANE Select); coding-DNA position 7637, T replaced by C.
Protein change: p.Leu2546Pro; replaces leucine 2546 with proline.
Molecular consequence: missense variant.
Genome position (GRCh38, 1-based): chr5:37,059,117, T>C. VCF-style: chr5-37059117-T-C. GRCh37 (hg19) VCF-style: chr5-37059219-T-C.
Other names: c.7637T>C, p.Leu2546Pro (NM_015384.5); c.7637T>C (NM_133433.3); short protein forms L2546P.
Identifiers: ClinVar variation 180196 (VCV000180196.3), dbSNP rs727503772, ClinGen allele CA333587.
Genomic context (GRCh38, chr5:37,059,117, plus strand): 5'-TGCCAGAAAATTCAGCTCCTTTAATCGAATTTGCAAATGTGTCCCAGGGTATTTTATTAC[T>C]TCTCATGTTAAAACAACATTTGAAGAATCTTTGTGGATTTTCTGATAGGTAAGGTTACAT-3'
Protein context (NP_597677.2, residues 2536-2556): FANVSQGILL[Leu2546Pro]LMLKQHLKNL